The following is an entry in ClinVar:

ClinVar aggregate classification (germline): Conflicting classifications of pathogenicity. Review status: criteria provided, conflicting classifications (1 of 4 stars). 2 submissions from 2 submitters: Uncertain significance (1); Likely benign (1). Last evaluated 2024-11-06.

Allele frequency attached by ClinVar (database versions not stated): gnomAD 0.00001; TOPMed 0.00002; ExAC 0.00005.
gnomAD v4.1: 7 of 1,552,614 alleles (0.00045%); highest among the groups gnomAD compares: Admixed American, 0.0037%; no homozygotes.

Submissions (2):

Women's Health and Genetics/Laboratory Corporation of America, LabCorp
Classification: Uncertain significance. Last evaluated: 2024-11-06. Review status: criteria provided, single submitter. Criteria: LabCorp Variant Classification Summary - May 2015. Collection method: clinical testing. Allele origin: germline.
Comment: Variant summary: PDE8B c.339+8C>A alters a non-conserved nucleotide located close to a canonical splice site and therefore could affect mRNA splicing, leading to a significantly altered protein sequence. Consensus agreement among computation tools predict no significant impact on normal splicing. However, these predictions have yet to be confirmed by functional studies. The frequency data for this variant in gnomAD is considered unreliable, as metrics indicate poor data quality at this position. To our knowledge, no occurrence of c.339+8C>A in individuals affected with PDE8B-Related Disorders and no experimental evidence demonstrating its impact on protein function have been reported. ClinVar contains an entry for this variant (Variation ID: 755563). Based on the evidence outlined above, the variant was classified as uncertain significance.

Labcorp Genetics (formerly Invitae), Labcorp
Classification: Likely benign. Last evaluated: 2019-12-31. Review status: criteria provided, single submitter. Criteria: Invitae Variant Classification Sherloc (09022015). Collection method: clinical testing. Allele origin: germline.

NM_003719.5(PDE8B):c.339+8C>A

Gene: PDE8B (phosphodiesterase 8B; plus strand). Cytogenetic location: 5q13.3.
Variant type: single nucleotide variant.
Coding change: c.339+8C>A on transcript NM_003719.5 (MANE Select); 8 bases into the intron after coding-DNA position 339, C replaced by A.
Molecular consequence: intron variant.
Genome position (GRCh38, 1-based): chr5:77,211,272, C>A. VCF-style: chr5-77211272-C-A. GRCh37 (hg19) VCF-style: chr5-76507097-C-A.
Other names: c.36+30786C>A (NM_001349750.3, NM_001376069.1, NM_001376062.1 and 7 more transcripts); c.-31+8C>A (NM_001349753.2); c.-34+1226C>A (NM_001376067.1, NM_001376075.1); c.-31+1226C>A (NM_001376068.1); c.339+8C>A (NM_001349749.3, NM_001029852.4, NM_001376063.1 and 7 more transcripts).
Identifiers: ClinVar variation 755563 (VCV000755563.5), dbSNP rs754040283, ClinGen allele CA3314852.